The following is an entry in ClinVar:

NM_014727.3(KMT2B):c.479C>T (p.Pro160Leu)

Gene: KMT2B (lysine methyltransferase 2B; plus strand). Cytogenetic location: 19q13.12.
Variant type: single nucleotide variant.
Coding change: c.479C>T on transcript NM_014727.3 (MANE Select); coding-DNA position 479, C replaced by T.
Protein change: p.Pro160Leu; replaces proline 160 with leucine.
Molecular consequence: missense variant.
Genome position (GRCh38, 1-based): chr19:35,719,826, C>T. VCF-style: chr19-35719826-C-T. GRCh37 (hg19) VCF-style: chr19-36210728-C-T.
Other names: short protein forms P160L.
Identifiers: ClinVar variation 2664524 (VCV002664524.5), dbSNP rs2513311150, ClinGen allele CA405378548.

ClinVar aggregate classification (germline): Uncertain significance. Review status: criteria provided, single submitter (1 of 4 stars). 2 submissions from 2 submitters: Uncertain significance (1). 1 of the submissions does not count toward it. Last evaluated 2023-03-03.

Submissions (2):

Labcorp Genetics (formerly Invitae), Labcorp
Classification: Uncertain significance. Last evaluated: 2023-03-03. Review status: criteria provided, single submitter. Criteria: Invitae Variant Classification Sherloc (09022015). Collection method: clinical testing. Allele origin: germline.
Comment: In summary, the available evidence is currently insufficient to determine the role of this variant in disease. Therefore, it has been classified as a Variant of Uncertain Significance. Advanced modeling of protein sequence and biophysical properties (such as structural, functional, and spatial information, amino acid conservation, physicochemical variation, residue mobility, and thermodynamic stability) performed at Invitae indicates that this missense variant is not expected to disrupt KMT2B protein function. This variant has not been reported in the literature in individuals affected with KMT2B-related conditions. This variant is not present in population databases (gnomAD no frequency). This sequence change replaces proline, which is neutral and non-polar, with leucine, which is neutral and non-polar, at codon 160 of the KMT2B protein (p.Pro160Leu).

Genetics and Genomic Medicine Centre, NeuroGen Healthcare, NeuroGen Healthcare
Classification: Uncertain significance. Last evaluated: 2021-05-09. Review status: no assertion criteria provided. Collection method: clinical testing. Allele origin: unknown. Affected: yes. Not counted in ClinVar's aggregate classification.